The following is an entry in ClinVar:

NM_018967.5(SNTG1):c.-27-79544_-27-75960del

Gene: SNTG1 (syntrophin gamma 1; plus strand). Cytogenetic location: 8q11.21.
Variant type: Deletion.
Coding change: c.-27-79544_-27-75960del on transcript NM_018967.5 (MANE Select); 79544 bases into the intron before 27 bases upstream of the start codon through 75960 bases into the intron before 27 bases upstream of the start codon, 3,585 bases deleted.
Molecular consequence: intron variant.
Genome position (GRCh38, 1-based): chr8:50,314,668-50,318,252, 3,585 bases deleted. GRCh37 (hg19): chr8:51,227,228-51,230,812.
Other names: c.-27-79544_-27-75960del (NM_001287813.3, NM_001321775.2, NM_001321773.2 and 4 more transcripts).
Identifiers: ClinVar variation 157116 (VCV000157116.2), ClinGen allele CA212227.

ClinVar aggregate classification (germline): not provided (0 of 4 stars; one submission).

Conditions:
Gestational diabetes mellitus uncontrolled. Identifiers: MedGen C3532257.

Submission:

Institute of Molecular and Cell Biology, University of Tartu
No classification provided. Condition: Gestational diabetes mellitus uncontrolled. Review status: no classification provided. Collection method: case-control. Allele origin: unknown. Affected: yes. Study: Kasak2014.
Comment: The study aimed to determine the contribution of copy number variants in the genetic etiology of normal and complicated pregnancies. The samples represented (i) maternal blood DNA drawn from healthy pregnant women during 1st or 2nd trimester and (ii) maternal and paternal blood DNA drawn at term pregnancy cases representing normal and complicated gestations (severe preeclampsia, PE; gestational diabetes, GD; small-for-gestational age newborn, SGA; large-for-gestational age newborn, LGA). We performed CNV calling based on genome-wide genotyping dataset (Illumina HumanOmniExpress-24-v1 BeadChip) by applying three algorithms, QuantiSNP, GADA (Genome Alteration Detection Algorithm) and CNstream in parallel. The acquired CNV calls were merged with HD-CNV (Hotspot Detector for Copy Number Variants) program and only the CNVs predicted by at least two programs, were considered in subsequent analysis.

Literature cited by the submitters: PubMed 25666259.